The following is an entry in ClinVar:

ClinVar aggregate classification (germline): Pathogenic/Likely pathogenic. Review status: criteria provided, multiple submitters, no conflicts (2 of 4 stars). 3 submissions from 3 submitters: Pathogenic (2); Likely pathogenic (1). Last evaluated 2024-01-23.

Conditions:
Mucolipidosis type II. Also called: ML II ALPHA/BETA; Mucolipidosis 2; ML 2; Inclusion cell disease; Leroy Disease; N-acetylglucosamine 1phosphotransferase deficiency. Identifiers: Orphanet 576, MedGen C2673377, MONDO:0009650, OMIM 252500.
Pseudo-Hurler polydystrophy. Also called: ML III; ML III ALPHA/BETA; Type III Mucolipidosis; ML IIIA; Mucolipidosis III Alpha/Beta; MUCOLIPIDOSIS IIIA. Identifiers: Orphanet 423461, Orphanet 577, MedGen C0033788, MONDO:0018931, OMIM 252600.
Mucolipidosis. Also called: Mucolipidoses. Identifiers: Orphanet 79212, MedGen C0026697, MONDO:0019248.

Submissions (3):

Fulgent Genetics
Classification: Pathogenic for Mucolipidosis type II; Pseudo-Hurler polydystrophy. Last evaluated: 2024-01-23. Review status: criteria provided, single submitter. Criteria: ACMG Guidelines, 2015. Collection method: clinical testing. Allele origin: germline.

Women's Health and Genetics/Laboratory Corporation of America, LabCorp
Classification: Likely pathogenic for Mucolipidosis. Last evaluated: 2023-03-28. Review status: criteria provided, single submitter. Criteria: LabCorp Variant Classification Summary - May 2015. Collection method: clinical testing. Allele origin: germline.
Comment: Variant summary: GNPTAB c.2174T>A (p.Leu725X) results in a premature termination codon, predicted to cause a truncation of the encoded protein or absence of the protein due to nonsense mediated decay, which are commonly known mechanisms for disease. Truncations downstream of this position have been classified as pathogenic by our laboratory. The variant was absent in 251180 control chromosomes (gnomAD). c.2174T>A has been reported in the literature in individuals affected with Mucolipidosis (Velho_2019). These data do not allow any conclusion about variant significance. To our knowledge, no experimental evidence demonstrating an impact on protein function has been reported. No clinical diagnostic laboratories have submitted clinical-significance assessments for this variant to ClinVar after 2014. Based on the evidence outlined above, the variant was classified as likely pathogenic.

Labcorp Genetics (formerly Invitae), Labcorp
Classification: Pathogenic for Pseudo-Hurler polydystrophy; Mucolipidosis type II. Last evaluated: 2022-10-14. Review status: criteria provided, single submitter. Criteria: Invitae Variant Classification Sherloc (09022015). Collection method: clinical testing. Allele origin: germline.
Comment: This sequence change creates a premature translational stop signal (p.Leu725*) in the GNPTAB gene. It is expected to result in an absent or disrupted protein product. Loss-of-function variants in GNPTAB are known to be pathogenic (PMID: 19617216, 25107912). For these reasons, this variant has been classified as Pathogenic. This premature translational stop signal has been observed in individual(s) with mucolipidosis (PMID: 30882951). This variant is not present in population databases (gnomAD no frequency).

Literature cited by the submitters: PubMed 30882951 (cited by Women's Health and Genetics/Laboratory Corporation of America, LabCorp and Labcorp Genetics (formerly Invitae), Labcorp); PubMed 19617216 (cited by Labcorp Genetics (formerly Invitae), Labcorp); PubMed 25107912 (cited by Labcorp Genetics (formerly Invitae), Labcorp).

NM_024312.5(GNPTAB):c.2174T>A (p.Leu725Ter)

Gene: GNPTAB (N-acetylglucosamine-1-phosphate transferase subunits alpha and beta; minus strand). Cytogenetic location: 12q23.2.
Variant type: single nucleotide variant.
Coding change: c.2174T>A on transcript NM_024312.5 (MANE Select); coding-DNA position 2174, T replaced by A.
Protein change: p.Leu725Ter; replaces leucine 725 with a stop codon.
Molecular consequence: nonsense.
Genome position (GRCh38, 1-based): chr12:101,764,743, A>T on the plus strand (T>A on the coding strand, the complement: GNPTAB is on the minus strand). VCF-style: chr12-101764743-A-T. GRCh37 (hg19) VCF-style: chr12-102158521-A-T.
Other names: short protein forms L725*.
Identifiers: ClinVar variation 2501249 (VCV002501249.5), dbSNP rs923732649, ClinGen allele CA242456643.